The following is an entry in ClinVar:

NM_018941.4(CLN8):c.455A>G (p.Asn152Ser)

Gene: CLN8 (CLN8 transmembrane ER and ERGIC protein; plus strand). Cytogenetic location: 8p23.3.
Variant type: single nucleotide variant.
Coding change: c.455A>G on transcript NM_018941.4 (MANE Select); coding-DNA position 455, A replaced by G.
Protein change: p.Asn152Ser; replaces asparagine 152 with serine.
Molecular consequence: missense variant.
Genome position (GRCh38, 1-based): chr8:1,771,509, A>G. VCF-style: chr8-1771509-A-G. GRCh37 (hg19) VCF-style: chr8-1719675-A-G.
Other names: short protein forms N152S.
Identifiers: ClinVar variation 1051820 (VCV001051820.8), dbSNP rs138581191, ClinGen allele CA4599267.
Genomic context (GRCh38, chr8:1,771,509, plus strand): 5'-ACTTGTTTCTGGTTATCCACCATCTCTTTGCCTTTCTTGGGTTTCTTGGCTGCTTGGTCA[A>G]TCTCCAAGCTGGCCACTATCTAGCTATGACCACGTTGCTCCTGGAGATGAGCACGCCCTT-3'
Protein context (NP_061764.2, residues 142-162): AFLGFLGCLV[Asn152Ser]LQAGHYLAMT

ClinVar aggregate classification (germline): Conflicting classifications of pathogenicity. Review status: criteria provided, conflicting classifications (1 of 4 stars). 4 submissions from 4 submitters: Uncertain significance (3); Likely benign (1). Last evaluated 2022-08-11.

Conditions:
Inborn genetic diseases. Identifiers: MedGen C0950123, MeSH D030342.
Neuronal ceroid lipofuscinosis. Also called: Neuronal Ceroid Lipofuscinoses. Identifiers: Orphanet 216, Orphanet 79263, MedGen C0027877, MONDO:0016295. Disease mechanism: loss of function.

Allele frequency attached by ClinVar (database versions not stated): ExAC 0.00009; gnomAD 0.00009 and 0.00010; gnomAD exomes 0.00009; TOPMed 0.00009; ESP Exome Variant Server 0.00015.
gnomAD v4.1: 153 of 1,613,938 alleles (0.0095%); highest among the groups gnomAD compares: East Asian, 0.036%; no homozygotes.

Submissions (5):

Labcorp Genetics (formerly Invitae), Labcorp
Classification: Uncertain significance for Neuronal ceroid lipofuscinosis. Last evaluated: 2022-08-11. Review status: criteria provided, single submitter. Criteria: Invitae Variant Classification Sherloc (09022015). Collection method: clinical testing. Allele origin: germline.
Comment: This sequence change replaces asparagine, which is neutral and polar, with serine, which is neutral and polar, at codon 152 of the CLN8 protein (p.Asn152Ser). This variant is present in population databases (rs138581191, gnomAD 0.02%). This variant has not been reported in the literature in individuals affected with CLN8-related conditions. ClinVar contains an entry for this variant (Variation ID: 1051820). Algorithms developed to predict the effect of missense changes on protein structure and function output the following: SIFT: "Tolerated"; PolyPhen-2: "Possibly Damaging"; Align-GVGD: "Class C0". The serine amino acid residue is found in multiple mammalian species, which suggests that this missense change does not adversely affect protein function. Algorithms developed to predict the effect of sequence changes on RNA splicing suggest that this variant may create or strengthen a splice site. In summary, the available evidence is currently insufficient to determine the role of this variant in disease. Therefore, it has been classified as a Variant of Uncertain Significance.

Department of Pathology and Laboratory Medicine, Sinai Health System
Classification: Uncertain significance for neuronal ceroid lipofuscinosis. Last evaluated: 2021-10-27. Review status: criteria provided, single submitter. Criteria: ACMG Guidelines, 2015. Collection method: research. Allele origin: germline.

GeneDx
Classification: Likely benign. Last evaluated: 2021-01-20. Review status: criteria provided, single submitter. Criteria: GeneDx Variant Classification Process June 2021. Collection method: clinical testing. Allele origin: germline. Affected: yes.
Comment: This variant is associated with the following publications: (PMID: 26657971)

Ambry Genetics
Classification: Uncertain significance for Inborn genetic diseases. Last evaluated: 2017-06-28. Review status: criteria provided, single submitter. Criteria: Ambry Variant Classification Scheme 2023. Collection method: clinical testing. Allele origin: germline.
Comment: The p.N152S variant (also known as c.455A>G), located in coding exon 1 of the CLN8 gene, results from an A to G substitution at nucleotide position 455. The asparagine at codon 152 is replaced by serine, an amino acid with highly similar properties. This alteration was reported in an individual with autistic disorder and moderate mental retardation, while second allele was unknown (Inoue E et al. PLoS ONE, 2015 Dec;10:e0144624). This amino acid position is not well conserved in available vertebrate species, and serine is the reference amino acid in other vertebrate species. In addition, this alteration is predicted to be tolerated by in silico analysis. Since supporting evidence is limited at this time, the clinical significance of this alteration remains unclear.

Dr. Peter K. Rogan Lab, Western University
No classification provided (evidence only). Condition: Hepatocellular carcinoma. Review status: no classification provided. Collection method: in vitro. Allele origin: not applicable. Functional consequence: retained intron. Not counted in ClinVar's aggregate classification.

Literature cited by the submitters: PubMed 26657971 (cited by Ambry Genetics).